The following is an entry in ClinVar:

NM_001261826.3(AP3D1):c.2679+1G>C

Gene: AP3D1 (adaptor related protein complex 3 subunit delta 1; minus strand). Cytogenetic location: 19p13.3.
Variant type: single nucleotide variant.
Coding change: c.2679+1G>C on transcript NM_001261826.3 (MANE Select); the canonical splice donor site of the intron after coding-DNA position 2679, G replaced by C.
Molecular consequence: splice donor variant. On other transcripts: intron variant (1).
Genome position (GRCh38, 1-based): chr19:2,113,335, C>G on the plus strand (G>C on the coding strand, the complement: AP3D1 is on the minus strand). VCF-style: chr19-2113335-C-G. GRCh37 (hg19) VCF-style: chr19-2113334-C-G.
Other names: c.2601+790G>C (NM_003938.8); c.2679+1G>C (NM_001374799.1).
Identifiers: ClinVar variation 3385243 (VCV003385243.2).

ClinVar aggregate classification (germline): Uncertain significance (1 of 4 stars; one submission).

gnomAD v4.1: 3 of 1,082,046 alleles (0.00028%); highest among the groups gnomAD compares: Non-Finnish European, 0.00025%; no homozygotes.

Submission:

Women's Health and Genetics/Laboratory Corporation of America, LabCorp
Classification: Uncertain significance. Last evaluated: 2025-02-05. Review status: criteria provided, single submitter. Criteria: LabCorp Variant Classification Summary - May 2015. Collection method: clinical testing. Allele origin: germline.
Comment: Variant summary: AP3D1 c.2679+1G>C is located in a canonical splice-site and is predicted to affect mRNA splicing resulting in a significantly altered protein due to either exon skipping, shortening, or inclusion of intronic material. Variants that disrupt the consensus splice site are a relatively common cause of aberrant splicing, however current evidence is not sufficient to establish loss of function as a mechanism for disease. The frequency data for this variant in gnomAD is considered unreliable, as metrics indicate poor data quality at this position. To our knowledge, no occurrence of c.2679+1G>C in individuals affected with Hermansky-Pudlak Syndrome and no experimental evidence demonstrating its impact on protein function have been reported. No submitters have cited clinical-significance assessments for this variant to ClinVar. Based on the evidence outlined above, the variant was classified as uncertain significance.